The following is an entry in ClinVar:

ClinVar aggregate classification (germline): Uncertain significance. Review status: criteria provided, multiple submitters, no conflicts (2 of 4 stars). 3 submissions from 3 submitters: Uncertain significance (3). Last evaluated 2024-06-14.

Conditions:
Spondyloenchondrodysplasia with immune dysregulation (SPENCDI). Also called: SPONDYLOENCHONDRODYSPLASIA WITH OR WITHOUT IMMUNE DYSREGULATION; COMBINED IMMUNODEFICIENCY WITH AUTOIMMUNITY AND SPONDYLOMETAPHYSEAL DYSPLASIA; ROIFMAN IMMUNOSKELETAL SYNDROME. Identifiers: Orphanet 1855, MedGen C1842763, MONDO:0011939, OMIM 607944.

Allele frequency attached by ClinVar (database versions not stated): 1000 Genomes Project 0.00020; ESP Exome Variant Server 0.00023; gnomAD 0.00023 and 0.00048; ExAC 0.00027; 1000 Genomes Project 30x 0.00031; TOPMed 0.00058.

Submissions (3):

Blueprint Genetics
Classification: Uncertain significance. Last evaluated: 2024-06-14. Review status: criteria provided, single submitter. Criteria: ACMG Guidelines, 2015. Collection method: clinical testing. Allele origin: germline.

Labcorp Genetics (formerly Invitae), Labcorp
Classification: Uncertain significance for Spondyloenchondrodysplasia with immune dysregulation. Last evaluated: 2022-10-30. Review status: criteria provided, single submitter. Criteria: Invitae Variant Classification Sherloc (09022015). Collection method: clinical testing. Allele origin: germline.
Comment: This sequence change replaces arginine, which is basic and polar, with tryptophan, which is neutral and slightly polar, at codon 269 of the ACP5 protein (p.Arg269Trp). This variant is present in population databases (rs199986980, gnomAD 0.04%). This missense change has been observed in individual(s) with systemic lupus erythematosus (PMID: 27390188). ClinVar contains an entry for this variant (Variation ID: 639443). Advanced modeling of protein sequence and biophysical properties (such as structural, functional, and spatial information, amino acid conservation, physicochemical variation, residue mobility, and thermodynamic stability) performed at Invitae indicates that this missense variant is not expected to disrupt ACP5 protein function. Experimental studies have shown that this missense change affects ACP5 function (PMID: 27390188). In summary, the available evidence is currently insufficient to determine the role of this variant in disease. Therefore, it has been classified as a Variant of Uncertain Significance.

GeneDx
Classification: Uncertain significance. Last evaluated: 2022-08-26. Review status: criteria provided, single submitter. Criteria: GeneDx Variant Classification Process June 2021. Collection method: clinical testing. Allele origin: germline. Affected: yes.
Comment: Reported in association with systemic lupus erythematosus (SLE); however, detailed clinical information was not provided (An et al., 2017); In silico analysis supports that this missense variant has a deleterious effect on protein structure/function; Published functional studies demonstrate a damaging effect as this variant results in decreased tartrate-resistant acid phosphatase (TRAP) activity compared to wild-type in an in vitro assay (An et al., 2017); This variant is associated with the following publications: (PMID: 27001614, 27460824, 30181556, 27390188)

Literature cited by the submitters: PubMed 27390188 (cited by Labcorp Genetics (formerly Invitae), Labcorp).

NM_001611.5(ACP5):c.805C>T (p.Arg269Trp)

Gene: ACP5 (acid phosphatase 5, tartrate resistant; minus strand). Cytogenetic location: 19p13.2.
Variant type: single nucleotide variant.
Coding change: c.805C>T on transcript NM_001611.5 (MANE Select); coding-DNA position 805, C replaced by T.
Protein change: p.Arg269Trp; replaces arginine 269 with tryptophan.
Molecular consequence: missense variant.
Genome position (GRCh38, 1-based): chr19:11,575,183, G>A on the plus strand (C>T on the coding strand, the complement: ACP5 is on the minus strand). VCF-style: chr19-11575183-G-A. GRCh37 (hg19) VCF-style: chr19-11685998-G-A.
Other names: c.805C>T, p.Arg269Trp (NM_001111034.3, NM_001111035.3, NM_001111036.3 and 2 more transcripts); short protein forms R269W.
Identifiers: ClinVar variation 639443 (VCV000639443.8), dbSNP rs199986980, ClinGen allele CA9215315.